The following is an entry in ClinVar:

NM_003079.5(SMARCE1):c.40G>A (p.Ala14Thr)

Gene: SMARCE1 (SWI/SNF related BAF chromatin remodeling complex subunit E1; minus strand). Cytogenetic location: 17q21.2.
Variant type: single nucleotide variant.
Coding change: c.40G>A on transcript NM_003079.5 (MANE Select); coding-DNA position 40, G replaced by A.
Protein change: p.Ala14Thr; replaces alanine 14 with threonine.
Molecular consequence: missense variant.
Genome position (GRCh38, 1-based): chr17:40,645,587, C>T on the plus strand (G>A on the coding strand, the complement: SMARCE1 is on the minus strand). VCF-style: chr17-40645587-C-T. GRCh37 (hg19) VCF-style: chr17-38801839-C-T.
Other names: short protein forms A14T.
Identifiers: ClinVar variation 2867591 (VCV002867591.3), dbSNP rs2508617525, ClinGen allele CA399370933.

ClinVar aggregate classification (germline): Uncertain significance (1 of 4 stars; one submission).

Conditions:
Familial meningioma. Also called: Meningioma, familial, susceptibility to. Identifiers: Orphanet 263662, MedGen C3551915, MONDO:0011789, OMIM 607174.

Submission:

Labcorp Genetics (formerly Invitae), Labcorp
Classification: Uncertain significance for Familial meningioma. Last evaluated: 2023-01-14. Review status: criteria provided, single submitter. Criteria: Invitae Variant Classification Sherloc (09022015). Collection method: clinical testing. Allele origin: germline.
Comment: In summary, the available evidence is currently insufficient to determine the role of this variant in disease. Therefore, it has been classified as a Variant of Uncertain Significance. Advanced modeling of protein sequence and biophysical properties (such as structural, functional, and spatial information, amino acid conservation, physicochemical variation, residue mobility, and thermodynamic stability) performed at Invitae indicates that this missense variant is not expected to disrupt SMARCE1 protein function. This variant has not been reported in the literature in individuals affected with SMARCE1-related conditions. This variant is not present in population databases (gnomAD no frequency). This sequence change replaces alanine, which is neutral and non-polar, with threonine, which is neutral and polar, at codon 14 of the SMARCE1 protein (p.Ala14Thr).